The following is an entry in ClinVar:

ClinVar aggregate classification (germline): Uncertain significance. Review status: criteria provided, multiple submitters, no conflicts (2 of 4 stars). 3 submissions from 3 submitters: Uncertain significance (2). 1 of the submissions does not count toward it. Last evaluated 2021-12-14.

Conditions:
Autism spectrum disorder - epilepsy - arthrogryposis syndrome (AMRS). Identifiers: Orphanet 370943, MedGen C3809910, MONDO:0014248, OMIM 615553.

Allele frequency attached by ClinVar (database versions not stated): gnomAD 0.00002; TOPMed 0.00004.
gnomAD v4.1: 47 of 1,613,760 alleles (0.0029%); highest among the groups gnomAD compares: East Asian, 0.0045%; no homozygotes.

Submissions (3):

Fulgent Genetics
Classification: Uncertain significance for Autism spectrum disorder - epilepsy - arthrogryposis syndrome. Last evaluated: 2021-12-14. Review status: criteria provided, single submitter. Criteria: ACMG Guidelines, 2015. Collection method: clinical testing. Allele origin: unknown.

Labcorp Genetics (formerly Invitae), Labcorp
Classification: Uncertain significance for Autism spectrum disorder - epilepsy - arthrogryposis syndrome. Last evaluated: 2021-08-31. Review status: criteria provided, single submitter. Criteria: Invitae Variant Classification Sherloc (09022015). Collection method: clinical testing. Allele origin: germline.
Comment: This sequence change replaces arginine with histidine at codon 25 of the SLC35A3 protein (p.Arg25His). The arginine residue is highly conserved and there is a small physicochemical difference between arginine and histidine. This variant is not present in population databases (ExAC no frequency). This variant has not been reported in the literature in individuals affected with SLC35A3-related conditions. Algorithms developed to predict the effect of missense changes on protein structure and function are either unavailable or do not agree on the potential impact of this missense change (SIFT: "Deleterious"; PolyPhen-2: "Possibly Damaging"; Align-GVGD: "Class C0"). This variant disrupts the p.Arg25 amino acid residue in SLC35A3. Other variant(s) that disrupt this residue have been observed in individuals with SLC35A3-related conditions (PMID: 28328131, 28777481), which suggests that this may be a clinically significant amino acid residue. In summary, the available evidence is currently insufficient to determine the role of this variant in disease. Therefore, it has been classified as a Variant of Uncertain Significance.

Natera, Inc.
Classification: Uncertain significance for Arthrogryposis, mental retardation, and seizures. Last evaluated: 2020-12-17. Review status: no assertion criteria provided. Collection method: clinical testing. Allele origin: germline. Not counted in ClinVar's aggregate classification.

Literature cited by the submitters: PubMed 28328131 (cited by Labcorp Genetics (formerly Invitae), Labcorp); PubMed 28777481 (cited by Labcorp Genetics (formerly Invitae), Labcorp).

NM_012243.3(SLC35A3):c.74G>A (p.Arg25His)

Gene: SLC35A3 (solute carrier family 35 member A3; plus strand). Cytogenetic location: 1p21.2.
Variant type: single nucleotide variant.
Coding change: c.74G>A on transcript NM_012243.3 (MANE Select); coding-DNA position 74, G replaced by A.
Protein change: p.Arg25His; replaces arginine 25 with histidine.
Molecular consequence: missense variant.
Genome position (GRCh38, 1-based): chr1:99,993,628, G>A. VCF-style: chr1-99993628-G-A. GRCh37 (hg19) VCF-style: chr1-100459184-G-A.
Other names: c.74G>A, p.Arg25His (NM_001271684.2); c.200G>A, p.Arg67His (NM_001271685.2); short protein forms R67H, R25H.
Identifiers: ClinVar variation 661077 (VCV000661077.9), dbSNP rs903783945, ClinGen allele CA27538634.
Genomic context (GRCh38, chr1:99,993,628, plus strand): 5'-TAAAATACGTTTCCCTGGGAATTTTGGTCTTTCAGACTACCAGTTTGGTTCTAACAATGC[G>A]TTATTCCAGAACTTTAAAAGAAGAAGGACCTCGTTATCTATCTTCTACAGCAGTGGTTGT-3'
Protein context (NP_036375.1, residues 15-35): FQTTSLVLTM[Arg25His]YSRTLKEEGP